The following is an entry in ClinVar:

ClinVar aggregate classification (germline): Conflicting classifications of pathogenicity. Review status: criteria provided, conflicting classifications (1 of 4 stars). 3 submissions from 3 submitters: Uncertain significance (1); Likely benign (1). 1 of the submissions does not count toward it. Last evaluated 2025-01-27.

Conditions:
Joubert syndrome 8 (JBTS8). Identifiers: Orphanet 475, MedGen C2676771, MONDO:0012855, OMIM 612291.
ARL13B-related disorder. Also called: ARL13B-related condition.

Allele frequency attached by ClinVar (database versions not stated): gnomAD exomes 0.00001.
gnomAD v4.1: 9 of 1,613,368 alleles (0.00056%); highest among the groups gnomAD compares: East Asian, 0.0022%; no homozygotes.

Submissions (3):

Labcorp Genetics (formerly Invitae), Labcorp
Classification: Likely benign for Joubert syndrome 8. Last evaluated: 2025-01-27. Review status: criteria provided, single submitter. Criteria: Invitae Variant Classification Sherloc (09022015). Collection method: clinical testing. Allele origin: germline.

Blueprint Genetics
Classification: Uncertain significance. Last evaluated: 2024-10-28. Review status: criteria provided, single submitter. Criteria: ACMG Guidelines, 2015. Collection method: clinical testing. Allele origin: germline.

PreventionGenetics, part of Exact Sciences
Classification: Likely benign for ARL13B-related condition. Last evaluated: 2020-08-04. Review status: no assertion criteria provided. Collection method: clinical testing. Allele origin: germline. Not counted in ClinVar's aggregate classification.
Comment: This variant is classified as likely benign based on ACMG/AMP sequence variant interpretation guidelines (Richards et al. 2015 PMID: 25741868, with internal and published modifications).

NM_001174150.2(ARL13B):c.487-9C>A

Gene: ARL13B (ARF like GTPase 13B; plus strand). Cytogenetic location: 3q11.2.
Variant type: single nucleotide variant.
Coding change: c.487-9C>A on transcript NM_001174150.2 (MANE Select); 9 bases into the intron before coding-DNA position 487, C replaced by A.
Molecular consequence: intron variant.
Genome position (GRCh38, 1-based): chr3:94,036,543, C>A. VCF-style: chr3-94036543-C-A. GRCh37 (hg19) VCF-style: chr3-93755387-C-A.
Other names: c.442-9C>A (NM_001321328.2); c.487-9C>A (NM_182896.3); c.178-9C>A (NM_001174151.2); c.166-9C>A (NM_144996.4).
Identifiers: ClinVar variation 699467 (VCV000699467.11), dbSNP rs1394028422, ClinGen allele CA545016971.